The following is an entry in ClinVar:

NM_000213.5(ITGB4):c.2384_2386del (p.Thr795del)

Gene: ITGB4 (integrin subunit beta 4; plus strand). Cytogenetic location: 17q25.1.
Variant type: Deletion.
Coding change: c.2384_2386del on transcript NM_000213.5 (MANE Select); coding-DNA positions 2384 to 2386, 3 bases deleted (CCA; older notation c.2384_2386delCCA).
Protein change: p.Thr795del; deletes threonine 795.
Molecular consequence: inframe deletion. On other transcripts: inframe indel (1).
Genome position (GRCh38, 1-based): chr17:75,740,009-75,740,011, CCA deleted; deleting any 3 consecutive bases within chr17:75,740,007-75,740,011 gives the same sequence; the c. name uses the placement nearest the transcript's 3' end. VCF-style (leftmost placement, unchanged base first): chr17-75740006-TCAC-T. GRCh37 (hg19) VCF-style: chr17-73736087-TCAC-T.
Other names: c.2384_2386del, p.Thr795del (NM_001321123.2, NM_001005731.3); c.2384_2386delCCA, p.Thr795del (NM_001005619.2); short protein forms T795del.
Identifiers: ClinVar variation 1973033 (VCV001973033.5), dbSNP rs2545787108, ClinGen allele CA913013768.
Genomic context (GRCh38, chr17:75,740,006, plus strand): 5'-TGGACACGCCCATGCTGCGCAGCGGGAACCTCAAGGGCCGTGACGTGGTCCGCTGGAAGG[TCAC>T]CAACAACATGCAGCGGCCTGGCTTTGCCACTCATGCCGCCAGCATCAACCCCACAGAGCT-3'

ClinVar aggregate classification (germline): Uncertain significance (1 of 4 stars; one submission).

Submission:

Labcorp Genetics (formerly Invitae), Labcorp
Classification: Uncertain significance. Last evaluated: 2022-02-20. Review status: criteria provided, single submitter. Criteria: Invitae Variant Classification Sherloc (09022015). Collection method: clinical testing. Allele origin: germline.
Comment: In summary, the available evidence is currently insufficient to determine the role of this variant in disease. Therefore, it has been classified as a Variant of Uncertain Significance. Experimental studies and prediction algorithms are not available or were not evaluated, and the functional significance of this variant is currently unknown. This variant has not been reported in the literature in individuals affected with ITGB4-related conditions. This variant is not present in population databases (gnomAD no frequency). This variant, c.2384_2386del, results in the deletion of 1 amino acid(s) of the ITGB4 protein (p.Thr795del), but otherwise preserves the integrity of the reading frame.